The following is an entry in ClinVar:

NM_032043.3(BRIP1):c.755C>T (p.Thr252Ile)

Gene: BRIP1 (BRCA1 interacting DNA helicase 1; minus strand). Cytogenetic location: 17q23.2.
Variant type: single nucleotide variant.
Coding change: c.755C>T on transcript NM_032043.3 (MANE Select); coding-DNA position 755, C replaced by T.
Protein change: p.Thr252Ile; replaces threonine 252 with isoleucine.
Molecular consequence: missense variant.
Genome position (GRCh38, 1-based): chr17:61,808,630, G>A on the plus strand (C>T on the coding strand, the complement: BRIP1 is on the minus strand). VCF-style: chr17-61808630-G-A. GRCh37 (hg19) VCF-style: chr17-59885991-G-A.
Other names: short protein forms T252I.
Identifiers: ClinVar variation 570022 (VCV000570022.19), dbSNP rs1567838124, ClinGen allele CA400484979.

ClinVar aggregate classification (germline): Uncertain significance. Review status: criteria provided, multiple submitters, no conflicts (2 of 4 stars). 3 submissions from 3 submitters: Uncertain significance (3). Last evaluated 2025-10-13.

Conditions:
Fanconi anemia complementation group J. Also called: BRIP1-Related Fanconi Anemia. Identifiers: Orphanet 84, MedGen C1836860, MONDO:0012187, OMIM 609054.
Familial cancer of breast. Also called: BREAST CANCER, FAMILIAL; hereditary breast carcinoma; Hereditary breast cancer. Identifiers: Orphanet 227535, MedGen C0346153, MONDO:0016419, OMIM 114480. Disease mechanism: loss of function.
Hereditary cancer-predisposing syndrome. Also called: Hereditary neoplastic syndrome; Neoplastic Syndromes, Hereditary; Hereditary Cancer Syndrome; Tumor predisposition. Identifiers: Orphanet 140162, MedGen C0027672, MeSH D009386, MONDO:0015356.

Submissions (3):

Labcorp Genetics (formerly Invitae), Labcorp
Classification: Uncertain significance for Familial cancer of breast; Fanconi anemia complementation group J. Last evaluated: 2025-10-13. Review status: criteria provided, single submitter. Criteria: Invitae Variant Classification Sherloc (09022015). Collection method: clinical testing. Allele origin: germline.
Comment: This sequence change replaces threonine, which is neutral and polar, with isoleucine, which is neutral and non-polar, at codon 252 of the BRIP1 protein (p.Thr252Ile). This variant is not present in population databases (gnomAD no frequency). This variant has not been reported in the literature in individuals affected with BRIP1-related conditions. ClinVar contains an entry for this variant (Variation ID: 570022). Invitae Evidence Modeling of protein sequence and biophysical properties (such as structural, functional, and spatial information, amino acid conservation, physicochemical variation, residue mobility, and thermodynamic stability) has been performed for this missense variant. However, the output from this modeling did not meet the statistical confidence thresholds required to predict the impact of this variant on BRIP1 protein function. In summary, the available evidence is currently insufficient to determine the role of this variant in disease. Therefore, it has been classified as a Variant of Uncertain Significance.

Ambry Genetics
Classification: Uncertain significance for Hereditary cancer-predisposing syndrome. Last evaluated: 2025-02-22. Review status: criteria provided, single submitter. Criteria: Ambry Variant Classification Scheme 2023. Collection method: clinical testing. Allele origin: germline.
Comment: The p.T252I variant (also known as c.755C>T), located in coding exon 6 of the BRIP1 gene, results from a C to T substitution at nucleotide position 755. The threonine at codon 252 is replaced by isoleucine, an amino acid with similar properties. This amino acid position is highly conserved in available vertebrate species. In addition, this alteration is predicted to be deleterious by in silico analysis. Since supporting evidence is limited at this time, the clinical significance of this alteration remains unclear.

Baylor Genetics
Classification: Uncertain significance for Familial cancer of breast. Last evaluated: 2023-07-12. Review status: criteria provided, single submitter. Criteria: ACMG Guidelines, 2015. Collection method: clinical testing. Allele origin: unknown.